The following is an entry in ClinVar:

NM_003922.4(HERC1):c.13815G>A (p.Trp4605Ter)

Gene: HERC1 (HECT and RLD domain containing E3 ubiquitin protein ligase family member 1; minus strand). Cytogenetic location: 15q22.31.
Variant type: single nucleotide variant.
Coding change: c.13815G>A on transcript NM_003922.4 (MANE Select); coding-DNA position 13815, G replaced by A.
Protein change: p.Trp4605Ter; replaces tryptophan 4605 with a stop codon.
Molecular consequence: nonsense.
Genome position (GRCh38, 1-based): chr15:63,616,556, C>T on the plus strand (G>A on the coding strand, the complement: HERC1 is on the minus strand). VCF-style: chr15-63616556-C-T. GRCh37 (hg19) VCF-style: chr15-63908755-C-T.
Other names: short protein forms W4605*.
Identifiers: ClinVar variation 3236645 (VCV003236645.1), dbSNP rs2550842376, ClinGen allele CA392733076.

ClinVar aggregate classification (germline): Likely pathogenic (1 of 4 stars; one submission).

Conditions:
Macrocephaly, dysmorphic facies, and psychomotor retardation (MDFPMR). Identifiers: Orphanet 457359, MedGen C4310766, MONDO:0014863, OMIM 617011.

Submission:

Clinical Genomics Laboratory, Washington University in St. Louis
Classification: Likely pathogenic for Macrocephaly, dysmorphic facies, and psychomotor retardation. Last evaluated: 2024-01-04. Review status: criteria provided, single submitter. Criteria: ACMG Guidelines, 2015. Collection method: clinical testing. Allele origin: germline.
Comment: The HERC1 c.13815G>A (p.Trp4605Ter) variant, to our knowledge, has not been reported in the medical literature and is absent from the general population (gnomAD v.2.1.1), indicating it is not a common variant. This variant causes a premature termination codon, which is predicted to lead to nonsense mediated decay. Additionally, other variants that introduce a premature termination codon have been described in affected individuals and are considered pathogenic (Aggarwal S et al., PMID: 27108999; Nguyen LS et al., PMID: 26153217; Ortega-Recalde O et al., PMID: 26138117). Based on available information and the ACMG/AMP guidelines for variant interpretation (Richards S et al., PMID: 25741868), this variant is classified as likely pathogenic.